The following is an entry in ClinVar:

NM_001201543.2(FAM161A):c.688_700dup (p.Pro234fs)

Gene: FAM161A (FAM161 centrosomal protein A; minus strand). Cytogenetic location: 2p15.
Variant type: Duplication.
Coding change: c.688_700dup on transcript NM_001201543.2 (MANE Select); coding-DNA positions 688 to 700, 13 bases duplicated (AAAGAATGGGTGC).
Protein change: p.Pro234fs; shifts the reading frame from proline 234.
Molecular consequence: frameshift variant. On other transcripts: non-coding transcript variant (1).
Genome position (GRCh38, 1-based): chr2:61,840,304-61,840,316, GCACCCATTCTTT duplicated on the plus strand (AAAGAATGGGTGC on the coding strand, the reverse complement: FAM161A is on the minus strand). VCF-style (leftmost placement, unchanged base first): chr2-61840303-G-GGCACCCATTCTTT. GRCh37 (hg19) VCF-style: chr2-62067438-G-GGCACCCATTCTTT.
Other names: c.688_700dup (NM_001201543.1); c.688_700dup, p.Pro234fs (NM_032180.3); short protein forms P234fs.
Identifiers: ClinVar variation 2675392 (VCV002675392.3), dbSNP rs1355275335, ClinGen allele CA533181506.

ClinVar aggregate classification (germline): Pathogenic/Likely pathogenic. Review status: criteria provided, multiple submitters, no conflicts (2 of 4 stars). 2 submissions from 2 submitters: Pathogenic (1); Likely pathogenic (1). Last evaluated 2024-03-14.

Conditions:
Retinitis pigmentosa 28 (RP28). Identifiers: Orphanet 791, MedGen C1419614, MONDO:0011630, OMIM 606068.

Allele frequency attached by ClinVar (database versions not stated): gnomAD exomes below 0.00001; gnomAD 0.00001; TOPMed 0.00001.

Submissions (2):

Labcorp Genetics (formerly Invitae), Labcorp
Classification: Pathogenic. Last evaluated: 2024-03-14. Review status: criteria provided, single submitter. Criteria: Invitae Variant Classification Sherloc (09022015). Collection method: clinical testing. Allele origin: germline.
Comment: This sequence change creates a premature translational stop signal (p.Pro234Glnfs*30) in the FAM161A gene. It is expected to result in an absent or disrupted protein product. Loss-of-function variants in FAM161A are known to be pathogenic (PMID: 20705278, 20705279, 24651477). This variant is present in population databases (no rsID available, gnomAD 0.007%). This variant has not been reported in the literature in individuals affected with FAM161A-related conditions. For these reasons, this variant has been classified as Pathogenic.

Baylor Genetics
Classification: Likely pathogenic for Retinitis pigmentosa 28. Last evaluated: 2022-07-08. Review status: criteria provided, single submitter. Criteria: ACMG Guidelines, 2015. Collection method: clinical testing. Allele origin: unknown.

Literature cited by the submitters: PubMed 20705278 (cited by Labcorp Genetics (formerly Invitae), Labcorp); PubMed 20705279 (cited by Labcorp Genetics (formerly Invitae), Labcorp); PubMed 24651477 (cited by Labcorp Genetics (formerly Invitae), Labcorp).